The following is an entry in ClinVar:

NM_000294.3(PHKG2):c.980G>A (p.Arg327His)

Gene: PHKG2 (phosphorylase kinase catalytic subunit gamma 2; plus strand). Cytogenetic location: 16p11.2.
Variant type: single nucleotide variant.
Coding change: c.980G>A on transcript NM_000294.3 (MANE Select); coding-DNA position 980, G replaced by A.
Protein change: p.Arg327His; replaces arginine 327 with histidine.
Molecular consequence: missense variant.
Genome position (GRCh38, 1-based): chr16:30,756,856, G>A. VCF-style: chr16-30756856-G-A. GRCh37 (hg19) VCF-style: chr16-30768177-G-A.
Other names: c.980G>A, p.Arg327His (NM_001172432.2); short protein forms R327H.
Identifiers: ClinVar variation 2403213 (VCV002403213.3), dbSNP rs771905827, ClinGen allele CA8013373.

ClinVar aggregate classification (germline): Uncertain significance. Review status: criteria provided, multiple submitters, no conflicts (2 of 4 stars). 2 submissions from 2 submitters: Uncertain significance (2). Last evaluated 2023-04-06.

Conditions:
Inborn genetic diseases. Identifiers: MedGen C0950123, MeSH D030342.

Allele frequency attached by ClinVar (database versions not stated): ExAC 0.00001; gnomAD 0.00001; gnomAD exomes 0.00001; TOPMed 0.00001.
gnomAD v4.1: 14 of 1,614,030 alleles (0.00087%); highest among the groups gnomAD compares: Middle Eastern, 0.12%; no homozygotes.

Submissions (2):

Women's Health and Genetics/Laboratory Corporation of America, LabCorp
Classification: Uncertain significance. Last evaluated: 2023-04-06. Review status: criteria provided, single submitter. Criteria: LabCorp Variant Classification Summary - May 2015. Collection method: clinical testing. Allele origin: germline.
Comment: Variant summary: PHKG2 c.980G>A (p.Arg327His) results in a non-conservative amino acid change located in the Calmodulin-binding domain-N (UniProt) of the encoded protein sequence. Three of five in-silico tools predict a damaging effect of the variant on protein function. The variant allele was found at a frequency of 2e-05 in 251140 control chromosomes (gnomAD). The available data on variant occurrences in the general population are insufficient to allow any conclusion about variant significance. To our knowledge, no occurrence of c.980G>A in individuals affected with Glycogen Phosphorylase Kinase Deficiency and no experimental evidence demonstrating its impact on protein function have been reported. One clinical diagnostic laboratory has submitted clinical-significance assessments for this variant to ClinVar after 2014, and classified the variant as uncertain significance. Based on the evidence outlined above, the variant was classified as uncertain significance.

Ambry Genetics
Classification: Uncertain significance for Inborn genetic diseases. Last evaluated: 2022-02-24. Review status: criteria provided, single submitter. Criteria: Ambry Variant Classification Scheme 2023. Collection method: clinical testing. Allele origin: germline.